The following is an entry in ClinVar:

ClinVar aggregate classification (germline): Uncertain significance (1 of 4 stars; one submission).

Conditions:
Cardiovascular phenotype. Identifiers: MedGen CN230736.

gnomAD v4.1: 2 of 1,614,008 alleles (0.00012%); highest among the groups gnomAD compares: Admixed American, 0.0017%; no homozygotes.

Submission:

Ambry Genetics
Classification: Uncertain significance for Cardiovascular phenotype. Last evaluated: 2026-04-01. Review status: criteria provided, single submitter. Criteria: Ambry Variant Classification Scheme 2023. Collection method: clinical testing. Allele origin: germline.
Comment: The c.47C>G (p.T16S) alteration is located in exon 1 (coding exon 1) of the COL1A2 gene. This alteration results from a C to G substitution at nucleotide position 47, causing the threonine (T) at amino acid position 16 to be replaced by a serine (S). Based on data from gnomAD, the G allele has an overall frequency of <0.001% (1/251368) total alleles studied. The highest observed frequency was 0.003% (1/34592) of Latino alleles. Based on insufficient or conflicting evidence, the clinical significance of this alteration remains unclear.

NM_000089.4(COL1A2):c.47C>G (p.Thr16Ser)

Gene: COL1A2 (collagen type I alpha 2 chain; plus strand). Cytogenetic location: 7q21.3.
Variant type: single nucleotide variant.
Coding change: c.47C>G on transcript NM_000089.4 (MANE Select); coding-DNA position 47, C replaced by G.
Protein change: p.Thr16Ser; replaces threonine 16 with serine.
Molecular consequence: missense variant.
Genome position (GRCh38, 1-based): chr7:94,395,078, C>G. VCF-style: chr7-94395078-C-G. GRCh37 (hg19) VCF-style: chr7-94024390-C-G.
Other names: short protein forms T16S.
Identifiers: ClinVar variation 4869144 (VCV004869144.1).